The following is an entry in ClinVar:

ClinVar aggregate classification (germline): Pathogenic (1 of 4 stars; one submission).

Submission:

Labcorp Genetics (formerly Invitae), Labcorp
Classification: Pathogenic. Last evaluated: 2025-02-18. Review status: criteria provided, single submitter. Criteria: Invitae Variant Classification Sherloc (09022015). Collection method: clinical testing. Allele origin: germline.
Comment: This sequence change creates a premature translational stop signal (p.Trp1823*) in the RAI1 gene. It is expected to result in an absent or disrupted protein product. Loss-of-function variants in RAI1 are known to be pathogenic (PMID: 21857958, 24715852). This variant is not present in population databases (gnomAD no frequency). This variant has not been reported in the literature in individuals affected with RAI1-related conditions. For these reasons, this variant has been classified as Pathogenic.

Literature cited by the submitters: PubMed 21857958; PubMed 24715852.

NM_030665.4(RAI1):c.5469G>A (p.Trp1823Ter)

Gene: RAI1 (retinoic acid induced 1; plus strand). Cytogenetic location: 17p11.2.
Variant type: single nucleotide variant.
Coding change: c.5469G>A on transcript NM_030665.4 (MANE Select); coding-DNA position 5469, G replaced by A.
Protein change: p.Trp1823Ter; replaces tryptophan 1823 with a stop codon.
Molecular consequence: nonsense.
Genome position (GRCh38, 1-based): chr17:17,798,417, G>A. VCF-style: chr17-17798417-G-A. GRCh37 (hg19) VCF-style: chr17-17701731-G-A.
Other names: short protein forms W1823*.
Identifiers: ClinVar variation 4713353 (VCV004713353.1).